The following is an entry in ClinVar:

NM_001387430.1(SH2B1):c.654G>A (p.Thr218=)

Gene: SH2B1 (SH2B adaptor protein 1; plus strand). Cytogenetic location: 16p11.2.
Variant type: single nucleotide variant.
Coding change: c.654G>A on transcript NM_001387430.1 (MANE Select); coding-DNA position 654, G replaced by A.
Protein change: p.Thr218=; no amino-acid change (threonine 218 retained).
Molecular consequence: synonymous variant. On other transcripts: intron variant (1).
Genome position (GRCh38, 1-based): chr16:28,866,748, G>A. VCF-style: chr16-28866748-G-A. GRCh37 (hg19) VCF-style: chr16-28878069-G-A.
Other names: c.654G>A, p.Thr218= (NM_001308293.2, NM_001387404.1, NM_015503.3 and 4 more transcripts); c.-26-626G>A (NM_001308294.2).
Identifiers: ClinVar variation 795943 (VCV000795943.5), dbSNP rs138736485, ClinGen allele CA7985976.
Genomic context (GRCh38, chr16:28,866,748, plus strand): 5'-CAACTCCAACTCCTCTGGCGGGGCTGGGACCGTTGGTAGGGGACTGGTCAGTGATGGAAC[G>A]TCCCCTGGGGAAAGATGGACTCACCGTTTTGAGAGGCTGAGACTCAGTCGGGGAGGGGGC-3'
Protein context (NP_001374359.1, residues 208-228): TVGRGLVSDG[Thr218=]SPGERWTHRF

ClinVar aggregate classification (germline): Likely benign. Review status: criteria provided, single submitter (1 of 4 stars). 2 submissions from 2 submitters: Likely benign (1). 1 of the submissions does not count toward it. Last evaluated 2018-12-11.

Conditions:
SH2B1-related disorder. Also called: SH2B1-related condition.

Allele frequency attached by ClinVar (database versions not stated): gnomAD exomes 0.00001; ExAC 0.00002; TOPMed 0.00003; gnomAD 0.00004 and 0.00005; ESP Exome Variant Server 0.00008.
gnomAD v4.1: 22 of 1,577,662 alleles (0.0014%); highest among the groups gnomAD compares: Admixed American, 0.0072%; no homozygotes.

Submissions (2):

Labcorp Genetics (formerly Invitae), Labcorp
Classification: Likely benign. Last evaluated: 2018-12-11. Review status: criteria provided, single submitter. Criteria: Invitae Variant Classification Sherloc (09022015). Collection method: clinical testing. Allele origin: germline.

PreventionGenetics, part of Exact Sciences
Classification: Likely benign for SH2B1-related condition. Last evaluated: 2022-04-27. Review status: no assertion criteria provided. Collection method: clinical testing. Allele origin: germline. Not counted in ClinVar's aggregate classification.
Comment: This variant is classified as likely benign based on ACMG/AMP sequence variant interpretation guidelines (Richards et al. 2015 PMID: 25741868, with internal and published modifications).